The following is an entry in ClinVar:

ClinVar aggregate classification (germline): Uncertain significance. Review status: criteria provided, multiple submitters, no conflicts (2 of 4 stars). 2 submissions from 2 submitters: Uncertain significance (2). Last evaluated 2024-12-03.

Allele frequency attached by ClinVar (database versions not stated): gnomAD exomes 0.00003 and 0.00011; gnomAD 0.00005; ExAC 0.00007; ESP Exome Variant Server 0.00008; TOPMed 0.00008.
gnomAD v4.1: 54 of 1,613,974 alleles (0.0033%); highest among the groups gnomAD compares: Admixed American, 0.047%; no homozygotes.

Submissions (2):

GeneDx
Classification: Uncertain significance. Last evaluated: 2024-12-03. Review status: criteria provided, single submitter. Criteria: GeneDx Variant Classification Process June 2021. Collection method: clinical testing. Allele origin: germline. Affected: yes.
Comment: Has not been previously published as pathogenic or benign to our knowledge; In silico analysis indicates that this missense variant does not alter protein structure/function

Labcorp Genetics (formerly Invitae), Labcorp
Classification: Uncertain significance. Last evaluated: 2024-11-26. Review status: criteria provided, single submitter. Criteria: Invitae Variant Classification Sherloc (09022015). Collection method: clinical testing. Allele origin: germline.
Comment: This sequence change replaces aspartic acid, which is acidic and polar, with asparagine, which is neutral and polar, at codon 118 of the GJB3 protein (p.Asp118Asn). This variant is present in population databases (rs373400072, gnomAD 0.06%). This variant has not been reported in the literature in individuals affected with GJB3-related conditions. ClinVar contains an entry for this variant (Variation ID: 1254442). Invitae Evidence Modeling of protein sequence and biophysical properties (such as structural, functional, and spatial information, amino acid conservation, physicochemical variation, residue mobility, and thermodynamic stability) indicates that this missense variant is not expected to disrupt GJB3 protein function with a negative predictive value of 80%. In summary, the available evidence is currently insufficient to determine the role of this variant in disease. Therefore, it has been classified as a Variant of Uncertain Significance.

NM_024009.3(GJB3):c.352G>A (p.Asp118Asn)

Gene: GJB3 (gap junction protein beta 3; plus strand). Cytogenetic location: 1p34.3.
Variant type: single nucleotide variant.
Coding change: c.352G>A on transcript NM_024009.3 (MANE Select); coding-DNA position 352, G replaced by A.
Protein change: p.Asp118Asn; replaces aspartic acid 118 with asparagine.
Molecular consequence: missense variant.
Genome position (GRCh38, 1-based): chr1:34,785,114, G>A. VCF-style: chr1-34785114-G-A. GRCh37 (hg19) VCF-style: chr1-35250715-G-A.
Other names: c.352G>A, p.Asp118Asn (NM_001005752.2); short protein forms D118N.
Identifiers: ClinVar variation 1254442 (VCV001254442.5), dbSNP rs373400072, ClinGen allele CA754822.
Genomic context (GRCh38, chr1:34,785,114, plus strand): 5'-CGTGAGGAGCGGGAGCGCCGGCACCGCCAGAAACACGGGGACCAGTGCGCCAAGCTGTAC[G>A]ACAACGCAGGCAAGAAGCACGGAGGCCTGTGGTGGACCTACCTGTTCAGCCTCATCTTCA-3'
Protein context (NP_076872.1, residues 108-128): KHGDQCAKLY[Asp118Asn]NAGKKHGGLW